The following is an entry in ClinVar:

ClinVar aggregate classification (germline): Uncertain significance (1 of 4 stars; one submission).

Conditions:
Cardiovascular phenotype. Identifiers: MedGen CN230736.

Allele frequency attached by ClinVar (database versions not stated): gnomAD exomes below 0.00001.
gnomAD v4.1: 1 of 1,595,370 alleles (0.000063%); highest among the groups gnomAD compares: East Asian, 0.0023%; no homozygotes.

Submission:

Ambry Genetics
Classification: Uncertain significance for Cardiovascular phenotype. Last evaluated: 2021-06-22. Review status: criteria provided, single submitter. Criteria: Ambry Variant Classification Scheme 2023. Collection method: clinical testing. Allele origin: germline.
Comment: The p.I37T variant (also known as c.110T>C), located in coding exon 1 of the PRKAG2 gene, results from a T to C substitution at nucleotide position 110. The isoleucine at codon 37 is replaced by threonine, an amino acid with similar properties. This amino acid position is conserved. In addition, the in silico prediction for this alteration is inconclusive. Since supporting evidence is limited at this time, the clinical significance of this alteration remains unclear.

NM_016203.4(PRKAG2):c.110T>C (p.Ile37Thr)

Gene: PRKAG2 (protein kinase AMP-activated non-catalytic subunit gamma 2; minus strand). Cytogenetic location: 7q36.1.
Variant type: single nucleotide variant.
Coding change: c.110T>C on transcript NM_016203.4 (MANE Select); coding-DNA position 110, T replaced by C.
Protein change: p.Ile37Thr; replaces isoleucine 37 with threonine.
Molecular consequence: missense variant.
Genome position (GRCh38, 1-based): chr7:151,876,511, A>G on the plus strand (T>C on the coding strand, the complement: PRKAG2 is on the minus strand). VCF-style: chr7-151876511-A-G. GRCh37 (hg19) VCF-style: chr7-151573596-A-G.
Other names: c.110T>C, p.Ile37Thr (NM_001407021.1, NM_001407022.1, NM_001407023.1 and 2 more transcripts); short protein forms I37T.
Identifiers: ClinVar variation 1794850 (VCV001794850.2), dbSNP rs2485879292, ClinGen allele CA370071845.
Genomic context (GRCh38, chr7:151,876,511, plus strand): 5'-CGGGGACGGGAGCGACAGGAGGGCTGGGGAGCAGGGGACCGAGTGCTGGGACTCACCGGA[A>G]TGTGCACGCGCAGCGAACGCCTCTTCTGGCTGGCATTTTTCTTGCCGCCGCTCCCGCCGG-3'
Protein context (NP_057287.2, residues 27-47): SQKRRSLRVH[Ile37Thr]PDLSSFAMPL